The following is an entry in ClinVar:

NM_000069.3(CACNA1S):c.4170C>G (p.Asp1390Glu)

Gene: CACNA1S (calcium voltage-gated channel subunit alpha1 S; minus strand). Cytogenetic location: 1q32.1.
Variant type: single nucleotide variant.
Coding change: c.4170C>G on transcript NM_000069.3 (MANE Select); coding-DNA position 4170, C replaced by G.
Protein change: p.Asp1390Glu; replaces aspartic acid 1390 with glutamic acid.
Molecular consequence: missense variant.
Genome position (GRCh38, 1-based): chr1:201,050,460, G>C on the plus strand (C>G on the coding strand, the complement: CACNA1S is on the minus strand). VCF-style: chr1-201050460-G-C. GRCh37 (hg19) VCF-style: chr1-201019588-G-C.
Other names: short protein forms D1390E.
Identifiers: ClinVar variation 654707 (VCV000654707.41), dbSNP rs371849585, ClinGen allele CA083135.
Genomic context (GRCh38, chr1:201,050,460, plus strand): 5'-GTCATACTCTGCCCAGATGGCCTTGAACTCATCCAGGTGATGAGGGCCCAGGATGGACCA[G>C]TCCCGGGTGAGGTAGTCAAAATTGTCCATGATGACAGCCACAAAGAGGTTGATGACCTGC-3'
Protein context (NP_000060.2, residues 1380-1400): IMDNFDYLTR[Asp1390Glu]WSILGPHHLD

ClinVar aggregate classification (germline): Conflicting classifications of pathogenicity. Review status: criteria provided, conflicting classifications (1 of 4 stars). 7 submissions from 7 submitters: Uncertain significance (6); Likely benign (1). Last evaluated 2026-07-02.

Conditions:
Hypokalemic periodic paralysis, type 1. Also called: Hypokalemic Periodic Paralysis Type 1 (AD); HypoPP. Identifiers: Orphanet 681, MedGen C3714580, MONDO:0042979, OMIM 170400.
Thyrotoxic periodic paralysis, susceptibility to, 1 (TTPP1). Identifiers: Orphanet 79102, MedGen C2749982, MONDO:0008570, OMIM 188580.
Malignant hyperthermia, susceptibility to, 5 (MHS5). Also called: CACNA1S-Related Malignant Hyperthermia Susceptibility. Identifiers: Orphanet 423, MedGen C1866077, MONDO:0011163, OMIM 601887.
Congenital myopathy 18. Also called: DIHYDROPYRIDINE RECEPTOR CONGENITAL MYOPATHY; DHPR CONGENITAL MYOPATHY; Myopathy, congenital, due to dihydropyridine receptor defect. Identifiers: MedGen C5830283, MONDO:0859514, OMIM 620246.
Inborn genetic diseases. Identifiers: MedGen C0950123, MeSH D030342.

Allele frequency attached by ClinVar (database versions not stated): gnomAD exomes 0.00004 and 0.00008; gnomAD 0.00005; ExAC 0.00007; TOPMed 0.00008; ESP Exome Variant Server 0.00015.
gnomAD v4.1: 80 of 1,614,002 alleles (0.005%); highest among the groups gnomAD compares: Middle Eastern, 0.049%; no homozygotes.

Submissions (7):

Ambry Genetics
Classification: Uncertain significance for Inborn genetic diseases. Last evaluated: 2026-07-02. Review status: criteria provided, single submitter. Criteria: Ambry Variant Classification Scheme 2023. Collection method: clinical testing. Allele origin: germline.
Comment: The p.D1390E variant (also known as c.4170C>G), located in coding exon 34 of the CACNA1S gene, results from a C to G substitution at nucleotide position 4170. The aspartic acid at codon 1390 is replaced by glutamic acid, an amino acid with highly similar properties. This amino acid position is conserved. In addition, this alteration is predicted to be tolerated by in silico analysis. Based on the available evidence, the clinical significance of this variant remains unclear.

Labcorp Genetics (formerly Invitae), Labcorp
Classification: Likely benign for Hypokalemic periodic paralysis, type 1; Malignant hyperthermia, susceptibility to, 5. Last evaluated: 2026-01-25. Review status: criteria provided, single submitter. Criteria: Invitae Variant Classification Sherloc (09022015). Collection method: clinical testing. Allele origin: germline.

Blueprint Genetics
Classification: Uncertain significance. Last evaluated: 2024-08-22. Review status: criteria provided, single submitter. Criteria: ACMG Guidelines, 2015. Collection method: clinical testing. Allele origin: germline.

Fulgent Genetics
Classification: Uncertain significance for Hypokalemic periodic paralysis, type 1; Thyrotoxic periodic paralysis, susceptibility to, 1; Malignant hyperthermia, susceptibility to, 5; Congenital myopathy 18. Last evaluated: 2024-05-15. Review status: criteria provided, single submitter. Criteria: ACMG Guidelines, 2015. Collection method: clinical testing. Allele origin: germline.

Color Diagnostics, LLC DBA Color Health
Classification: Uncertain significance for Malignant hyperthermia, susceptibility to, 5. Last evaluated: 2024-04-17. Review status: criteria provided, single submitter. Criteria: ACMG Guidelines, 2015. Collection method: clinical testing. Allele origin: germline.
Comment: This missense variant replaces aspartic acid with glutamic acid at codon 1390 of the CACNA1S protein. Computational prediction suggests that this variant may not impact protein structure and function. To our knowledge, functional studies have not been reported for this variant. This variant has not been reported in individuals affected with CACNA1S-related disorders in the literature. This variant has been identified in 21/282842 chromosomes in the general population by the Genome Aggregation Database (gnomAD). The available evidence is insufficient to determine the role of this variant in disease conclusively. Therefore, this variant is classified as a Variant of Uncertain Significance.

CeGaT Center for Human Genetics Tuebingen
Classification: Uncertain significance. Last evaluated: 2023-12-01. Review status: criteria provided, single submitter. Criteria: CeGaT Center For Human Genetics Tuebingen Variant Classification Criteria Version 2. Collection method: clinical testing. Allele origin: germline. Affected: yes. Observed: 2 variant alleles.
Comment: CACNA1S: PM2, PM3

GeneDx
Classification: Uncertain significance. Last evaluated: 2022-02-28. Review status: criteria provided, single submitter. Criteria: GeneDx Variant Classification Process June 2021. Collection method: clinical testing. Allele origin: germline. Affected: yes.
Comment: In silico analysis supports that this missense variant has a deleterious effect on protein structure/function; Has not been previously published as pathogenic or benign to our knowledge